The following is an entry in ClinVar:

NM_004444.5(EPHB4):c.1573C>T (p.Gln525Ter)

Gene: EPHB4 (EPH receptor B4; minus strand). Cytogenetic location: 7q22.1.
Variant type: single nucleotide variant.
Coding change: c.1573C>T on transcript NM_004444.5 (MANE Select); coding-DNA position 1573, C replaced by T.
Protein change: p.Gln525Ter; replaces glutamine 525 with a stop codon.
Molecular consequence: nonsense.
Genome position (GRCh38, 1-based): chr7:100,817,207, G>A on the plus strand (C>T on the coding strand, the complement: EPHB4 is on the minus strand). VCF-style: chr7-100817207-G-A. GRCh37 (hg19) VCF-style: chr7-100414829-G-A.
Other names: short protein forms Q525*.
Identifiers: ClinVar variation 3061590 (VCV003061590.3), dbSNP rs2485028062, ClinGen allele CA368572725.

ClinVar aggregate classification (germline): Likely pathogenic (1 of 4 stars; one submission).

Conditions:
EPHB4-related disorder. Also called: EPHB4-related condition; EPHB4-related disorders.

gnomAD v4.1: 1 of 1,578,904 alleles (0.000063%); no homozygotes.

Submission:

PreventionGenetics, part of Exact Sciences
Classification: Likely pathogenic for EPHB4-related condition. Last evaluated: 2026-09-01. Review status: criteria provided, single submitter. Criteria: ACMG Guidelines, 2015. Collection method: clinical testing. Allele origin: germline.
Comment: The EPHB4 c.1573C>T variant is predicted to result in premature protein termination (p.Gln525*). To our knowledge, this variant has not been reported in the literature or in a large population database (gnomAD), indicating this variant is rare. Nonsense variants in EPHB4 are expected to be pathogenic. This variant is interpreted as likely pathogenic.